The following is an entry in ClinVar:

NM_001371279.1(REEP1):c.418-597_595+409del

Gene: REEP1 (receptor accessory protein 1; minus strand). Cytogenetic location: 2p11.2.
Variant type: Deletion.
Coding change: c.418-597_595+409del on transcript NM_001371279.1 (MANE Select); 597 bases into the intron before coding-DNA position 418 through 409 bases into the intron after coding-DNA position 595, 1,184 bases deleted.
Molecular consequence: splice acceptor variant, splice donor variant. On other transcripts: intron variant (1).
Genome position (GRCh38, 1-based): chr2:86,232,216-86,233,399, 1,184 bases deleted. GRCh37 (hg19): chr2:86,459,341-86,460,524.
Other names: c.439-597_616+409del (NM_001164730.2); c.337-597_514+409del (NM_001164731.2); c.183-597_360+409del (NM_001164732.2); c.418-16289_418-15106del (NM_001371280.1); c.418-597_595+409del (NM_022912.3, NM_001410855.1, NM_001410856.1).
Identifiers: ClinVar variation 3764746 (VCV003764746.1).

ClinVar aggregate classification (germline): Pathogenic (0 of 4 stars; one submission).

Conditions:
Hereditary spastic paraplegia 31. Also called: SPASTIC PARAPLEGIA 31, AUTOSOMAL DOMINANT. Identifiers: Orphanet 101011, MedGen C1853247, MONDO:0012453, OMIM 610250.

Submission:

Solve-RD Consortium
Classification: Pathogenic for Hereditary spastic paraplegia 31. Last evaluated: 2024-09-01. Review status: no assertion criteria provided. Collection method: provider interpretation. Allele origin: germline. Affected: yes. Study: Solve-RD Consortium.
Comment: The variant is a 1.2 kb deletion encompassing the entire exon 6 of REEP1, eventually leading to a frameshift mutation p.(Gly140Cysfs*) removing exons 6-9. Variants in REEP1 have been described in autosomal dominant spastic paraplegia 31, and of SNVs, frameshift variants are the most common causative variant type in SPG31 cases (PMID:18321925). This CNV was confirmed by the submitting clinician to impact a gene that corresponds with the phenotype of the affected individual, and thus deemed to be causative for their condition.